The following is an entry in ClinVar:

ClinVar aggregate classification (germline): Likely benign. Review status: criteria provided, multiple submitters, no conflicts (2 of 4 stars). 3 submissions from 3 submitters: Likely benign (3). Last evaluated 2026-01-17.

Conditions:
Bethlem myopathy 1A. Also called: Bethlem myopathy 1; Bethlem Muscular Dystrophy; MYOPATHY, BENIGN CONGENITAL, WITH CONTRACTURES. Identifiers: Orphanet 610, MedGen CN029274, MONDO:0024530, OMIM 158810.

Allele frequency attached by ClinVar (database versions not stated): gnomAD exomes 0.00015 and 0.00045; 1000 Genomes Project 30x 0.00016; 1000 Genomes Project 0.00020; ExAC 0.00025; ESP Exome Variant Server 0.00031; gnomAD 0.00032 and 0.00033; TOPMed 0.00034.
gnomAD v4.1: 685 of 1,586,446 alleles (0.043%); highest among the groups gnomAD compares: Non-Finnish European, 0.053%; 1 homozygote.

Submissions (3):

Labcorp Genetics (formerly Invitae), Labcorp
Classification: Likely benign for Bethlem myopathy 1A. Last evaluated: 2026-01-17. Review status: criteria provided, single submitter. Criteria: Invitae Variant Classification Sherloc (09022015). Collection method: clinical testing. Allele origin: germline.

Blueprint Genetics
Classification: Likely benign. Last evaluated: 2024-10-31. Review status: criteria provided, single submitter. Criteria: ACMG Guidelines, 2015. Collection method: clinical testing. Allele origin: germline.

GeneDx
Classification: Likely benign. Last evaluated: 2016-08-10. Review status: criteria provided, single submitter. Criteria: GeneDx Variant Classification (06012015). Collection method: clinical testing. Allele origin: germline. Affected: yes.
Comment: This variant is considered likely benign or benign based on one or more of the following criteria: it is a conservative change, it occurs at a poorly conserved position in the protein, it is predicted to be benign by multiple in silico algorithms, and/or has population frequency not consistent with disease.

NM_001848.3(COL6A1):c.1675-16C>T

Gene: COL6A1 (collagen type VI alpha 1 chain; plus strand). Cytogenetic location: 21q22.3.
Variant type: single nucleotide variant.
Coding change: c.1675-16C>T on transcript NM_001848.3 (MANE Select); 16 bases into the intron before coding-DNA position 1675, C replaced by T.
Molecular consequence: intron variant.
Genome position (GRCh38, 1-based): chr21:45,999,137, C>T. VCF-style: chr21-45999137-C-T. GRCh37 (hg19) VCF-style: chr21-47419051-C-T.
Identifiers: ClinVar variation 388214 (VCV000388214.10), dbSNP rs200659458, ClinGen allele CA10070487.